The following is an entry in ClinVar:

NM_004562.3(PRKN):c.689C>T (p.Ala230Val)

Gene: PRKN (parkin RBR E3 ubiquitin protein ligase; minus strand). Cytogenetic location: 6q26.
Variant type: single nucleotide variant.
Coding change: c.689C>T on transcript NM_004562.3 (MANE Select); coding-DNA position 689, C replaced by T.
Protein change: p.Ala230Val; replaces alanine 230 with valine.
Molecular consequence: missense variant.
Genome position (GRCh38, 1-based): chr6:161,973,347, G>A on the plus strand (C>T on the coding strand, the complement: PRKN is on the minus strand). VCF-style: chr6-161973347-G-A. GRCh37 (hg19) VCF-style: chr6-162394379-G-A.
Other names: c.605C>T, p.Ala202Val (NM_013987.3); c.242C>T, p.Ala81Val (NM_013988.3); short protein forms A230V, A202V, A81V.
Identifiers: ClinVar variation 409270 (VCV000409270.9), dbSNP rs571490973, ClinGen allele CA4090274.
Genomic context (GRCh38, chr6:161,973,347, plus strand): 5'-TTTTTAGATCCTTACCTGACGTCTGTGCACGTAATGCAAGTGATGTTCCGACTATTTGTT[G>A]CGATCAGGTGCAAAGCTACTGATGTTTCCTTGTCAGAGGTGGGGTGTGCTCCACATTTAA-3'
Protein context (NP_004553.2, residues 220-240): KETSVALHLI[Ala230Val]TNSRNITCIT

ClinVar aggregate classification (germline): Uncertain significance. Review status: criteria provided, multiple submitters, no conflicts (2 of 4 stars). 2 submissions from 2 submitters: Uncertain significance (2). Last evaluated 2016-07-29.

Conditions:
Autosomal recessive juvenile Parkinson disease 2. Also called: Parkinson disease autosomal recessive, early onset; Juvenile parkinsonism; Parkinsonism, early onset, with diurnal fluctuation; PRKN-Related Early-Onset Parkinson Disease; PARKINSON DISEASE, JUVENILE, AUTOSOMAL RECESSIVE; Parkinson disease, juvenile, type 2. Identifiers: Orphanet 2828, MedGen C1868675, MONDO:0010820, OMIM 600116.

Allele frequency attached by ClinVar (database versions not stated): gnomAD below 0.00001 and 0.00007; TOPMed 0.00001; gnomAD exomes 0.00011 and 0.00021; ExAC 0.00026; 1000 Genomes Project 30x 0.00031; 1000 Genomes Project 0.00040.
gnomAD v4.1: 166 of 1,613,916 alleles (0.01%); highest among the groups gnomAD compares: South Asian, 0.17%; no homozygotes.

Submissions (2):

Labcorp Genetics (formerly Invitae), Labcorp
Classification: Uncertain significance. Last evaluated: 2016-07-29. Review status: criteria provided, single submitter. Criteria: Invitae Variant Classification Sherloc (09022015). Collection method: clinical testing. Allele origin: germline.
Comment: This sequence change replaces alanine with valine at codon 230 of the PARK2 protein (p.Ala230Val). The alanine residue is weakly conserved and there is a small physicochemical difference between alanine and valine. Algorithms developed to predict the effect of missense changes on protein structure and function (SIFT, PolyPhen-2, Align-GVGD) all suggest that this variant is likely to be tolerated, but these predictions have not been confirmed by published functional studies. In summary, this variant is a novel missense change that is not predicted to affect protein function. There is no indication that it causes disease, but the available evidence is currently insufficient to prove that conclusively. Therefore, it has been classified as a Variant of Uncertain Significance. This variant is present in population databases (rs571490973, ExAC 0.2%) but has not been reported in the literature in individuals with a PARK2-related disease.

Neuberg Centre For Genomic Medicine, NCGM
Classification: Uncertain significance for Autosomal recessive juvenile Parkinson disease 2. Review status: criteria provided, single submitter. Criteria: ACMG Guidelines, 2015. Collection method: clinical testing. Allele origin: germline. Inheritance: Autosomal recessive inheritance. Affected: yes.
Comment: The observed missense variant c.689C>T (p.Ala230Val) in PRKN gene has not been reported previously as a pathogenic variant nor as a benign variant, to our knowledge. The p.Ala230Val variant has allele frequency 0.02% in gnomAD. This variant has been submitted to the ClinVar database as Uncertain Significance. The amino acid change p.Ala230Val in PRKN is predicted as conserved by GERP++ and PhyloP across 100 vertebrates. The amino acid Ala at position 230 is changed to a Val changing protein sequence and it might alter its composition and physico-chemical properties. For these reasons, this variant has been classified as Variant of Uncertain Significance (VUS). In the absence of another reportable variant in PRKN gene, the molecular diagnosis is not confirmed.